The following is an entry in ClinVar:

ClinVar aggregate classification (germline): Uncertain significance. Review status: criteria provided, multiple submitters, no conflicts (2 of 4 stars). 8 submissions from 8 submitters: Uncertain significance (7). 1 of the submissions does not count toward it. Last evaluated 2026-01-27.

Conditions:
Sick sinus syndrome 2, autosomal dominant (SSS2). Also called: SICK SINUS SYNDROME 2; SICK SINUS SYNDROME 2 WITH OR WITHOUT CARDIAC NONCOMPACTION AND/OR ASCENDING AORTA DILATION; ATRIAL FIBRILLATION WITH BRADYARRHYTHMIA; SINUS BRADYCARDIA SYNDROME, FAMILIAL, AUTOSOMAL DOMINANT; SINUS NODE DISEASE, FAMILIAL, AUTOSOMAL DOMINANT. Identifiers: Orphanet 166282, MedGen C1834144, MONDO:0008102, OMIM 163800.
Brugada syndrome 8 (BRGDA8). Identifiers: Orphanet 130, MedGen C2751083, MONDO:0013148, OMIM 613123.
Cardiovascular phenotype. Identifiers: MedGen CN230736.
HCN4-related disorder. Also called: HCN4-related condition.

Allele frequency attached by ClinVar (database versions not stated): gnomAD 0.00006; TOPMed 0.00008; ESP Exome Variant Server 0.00017.
gnomAD v4.1: 226 of 1,554,500 alleles (0.015%); highest among the groups gnomAD compares: Non-Finnish European, 0.018%; no homozygotes.

Submissions (8):

Labcorp Genetics (formerly Invitae), Labcorp
Classification: Uncertain significance for Brugada syndrome 8. Last evaluated: 2026-01-27. Review status: criteria provided, single submitter. Criteria: Invitae Variant Classification Sherloc (09022015). Collection method: clinical testing. Allele origin: germline.
Comment: This sequence change replaces glycine, which is neutral and non-polar, with arginine, which is basic and polar, at codon 973 of the HCN4 protein (p.Gly973Arg). This variant is present in population databases (rs200495478, gnomAD 0.02%). This missense change has been observed in individual(s) with Brugada syndrome and/or sudden unexpected death in epilepsy (PMID: 21615589, 34219138). ClinVar contains an entry for this variant (Variation ID: 570199). Invitae Evidence Modeling of protein sequence and biophysical properties (such as structural, functional, and spatial information, amino acid conservation, physicochemical variation, residue mobility, and thermodynamic stability) indicates that this missense variant is not expected to disrupt HCN4 protein function with a negative predictive value of 95%. In summary, the available evidence is currently insufficient to determine the role of this variant in disease. Therefore, it has been classified as a Variant of Uncertain Significance.

Ambry Genetics
Classification: Uncertain significance for Cardiovascular phenotype. Last evaluated: 2025-05-19. Review status: criteria provided, single submitter. Criteria: Ambry Variant Classification Scheme 2023. Collection method: clinical testing. Allele origin: germline.
Comment: The p.G973R variant (also known as c.2917G>A), located in coding exon 8 of the HCN4 gene, results from a G to A substitution at nucleotide position 2917. The glycine at codon 973 is replaced by arginine, an amino acid with dissimilar properties. This variant has been reported in one sudden unexplained death epilepsy case (Tu E et al. Brain Pathol, 2011 Nov;21:692-8). This variant was also detected in one individual from a cardiomyopathy/arrhythmia genetic testing cohort; however, clinical details were limited, and additional cardiac variants were detected (van Lint FHM et al. Neth Heart J, 2019 Jun;27:304-309). This amino acid position is not well conserved in available vertebrate species. In addition, the in silico prediction for this alteration is inconclusive. Since supporting evidence is limited at this time, the clinical significance of this alteration remains unclear.

Women's Health and Genetics/Laboratory Corporation of America, LabCorp
Classification: Uncertain significance. Last evaluated: 2025-01-13. Review status: criteria provided, single submitter. Criteria: LabCorp Variant Classification Summary - May 2015. Collection method: clinical testing. Allele origin: germline.
Comment: Variant summary: HCN4 c.2917G>A (p.Gly973Arg) results in a non-conservative amino acid change in the encoded protein sequence. Four of five in-silico tools predict a benign effect of the variant on protein function. The variant allele was found at a frequency of 9.7e-05 in 175358 control chromosomes. The observed variant frequency is approximately 9.31 fold of the estimated maximal expected allele frequency for a pathogenic variant in HCN4 causing Sick Sinus Syndrome 2 phenotype (1e-05). c.2917G>A has been reported in the literature in individuals affected with Brugada syndrome and epilepsy (Ishikawa_2021, Tu_2011). These data indicate that the variant may be associated with disease. To our knowledge, no experimental evidence demonstrating an impact on protein function has been reported. The following publications have been ascertained in the context of this evaluation (PMID: 34219138, 21615589). ClinVar contains an entry for this variant (Variation ID: 570199). Based on the evidence outlined above, the variant was classified as VUS-possibly benign.

Blueprint Genetics
Classification: Uncertain significance. Last evaluated: 2024-07-01. Review status: criteria provided, single submitter. Criteria: ACMG Guidelines, 2015. Collection method: clinical testing. Allele origin: germline.

GeneDx
Classification: Uncertain significance. Last evaluated: 2022-05-11. Review status: criteria provided, single submitter. Criteria: GeneDx Variant Classification Process June 2021. Collection method: clinical testing. Allele origin: germline. Affected: yes.
Comment: Reported in an individual with sudden unexplained death (SUD) and a history of epilepsy (Tu et al., 2011; Goldman et al., 2016); In silico analysis supports that this missense variant does not alter protein structure/function; This variant is associated with the following publications: (PMID: 26749013, 30452770, 33013630, 31018519, 21615589)

Fulgent Genetics
Classification: Uncertain significance for Sick sinus syndrome 2, autosomal dominant; Brugada syndrome 8. Last evaluated: 2018-10-31. Review status: criteria provided, single submitter. Criteria: ACMG Guidelines, 2015. Collection method: clinical testing. Allele origin: unknown.

Illumina Laboratory Services, Illumina
Classification: Uncertain significance for Sick sinus syndrome 2, autosomal dominant. Last evaluated: 2017-06-30. Review status: criteria provided, single submitter. Criteria: ICSL Variant Classification Criteria 13 December 2019. Collection method: clinical testing. Allele origin: germline.

PreventionGenetics, part of Exact Sciences
Classification: Uncertain significance for HCN4-related condition. Last evaluated: 2024-02-28. Review status: no assertion criteria provided. Collection method: clinical testing. Allele origin: germline. Not counted in ClinVar's aggregate classification.
Comment: The HCN4 c.2917G>A variant is predicted to result in the amino acid substitution p.Gly973Arg. This variant was reported in a large cohort of individuals with sudden unexpected death in epilepsy (Tu et al. 2011. PubMed ID: 21615589) and also in a large cohort of individuals with suspected cardiac disease (van Lint et al. 2019. PubMed ID: 30847666, supplementary data). However, this variant is reported in 0.018% of alleles in individuals of European (Non-Finnish) descent in gnomAD, which may be too frequent to be a primary cause of autosomal dominant disease. At this time, the clinical significance of this variant is uncertain due to the absence of conclusive functional and genetic evidence.

Literature cited by the submitters: PubMed 21615589 (cited by 3 submitters); PubMed 34219138 (cited by Labcorp Genetics (formerly Invitae), Labcorp and Women's Health and Genetics/Laboratory Corporation of America, LabCorp); PubMed 30452770 (cited by Ambry Genetics); PubMed 30847666 (cited by Ambry Genetics).

NM_005477.3(HCN4):c.2917G>A (p.Gly973Arg)

Gene: HCN4 (hyperpolarization activated cyclic nucleotide gated potassium channel 4; minus strand). Cytogenetic location: 15q24.1.
Variant type: single nucleotide variant.
Coding change: c.2917G>A on transcript NM_005477.3 (MANE Select); coding-DNA position 2917, G replaced by A.
Protein change: p.Gly973Arg; replaces glycine 973 with arginine.
Molecular consequence: missense variant.
Genome position (GRCh38, 1-based): chr15:73,323,176, C>T on the plus strand (G>A on the coding strand, the complement: HCN4 is on the minus strand). VCF-style: chr15-73323176-C-T. GRCh37 (hg19) VCF-style: chr15-73615517-C-T.
Other names: short protein forms G973R.
Identifiers: ClinVar variation 570199 (VCV000570199.38), dbSNP rs200495478, ClinGen allele CA7648924.
Genomic context (GRCh38, chr15:73,323,176, plus strand): 5'-TGCTCAGTGGGCCAGTGGCCAGACCTAGGGACAACTCCCCGGGAGGCTGGCCCAGCTGCC[C>T]GGGGCTAGATGACGGGGATCTGGATGAGGGTGGGGGTGGCAGGAAGTGCTCCGGGAGTCC-3'
Protein context (NP_005468.1, residues 963-983): PSSRSPSSSP[Gly973Arg]QLGQPPGELS